The following is an entry in ClinVar:

NM_000143.4(FH):c.1249T>C (p.Leu417=)

Gene: FH (fumarate hydratase; minus strand). Cytogenetic location: 1q43.
Variant type: single nucleotide variant.
Coding change: c.1249T>C on transcript NM_000143.4 (MANE Select); coding-DNA position 1249, T replaced by C.
Protein change: p.Leu417=; no amino-acid change (leucine 417 retained).
Molecular consequence: synonymous variant.
Genome position (GRCh38, 1-based): chr1:241,500,578, A>G on the plus strand (T>C on the coding strand, the complement: FH is on the minus strand). VCF-style: chr1-241500578-A-G. GRCh37 (hg19) VCF-style: chr1-241663878-A-G.
Identifiers: ClinVar variation 1123001 (VCV001123001.13), dbSNP rs2147913360, ClinGen allele CA424075542.

ClinVar aggregate classification (germline): Benign/Likely benign. Review status: criteria provided, multiple submitters, no conflicts (2 of 4 stars). 4 submissions from 4 submitters: Benign (1); Likely benign (3). Last evaluated 2025-09-20.

Conditions:
Hereditary cancer-predisposing syndrome. Also called: Neoplastic Syndromes, Hereditary; Hereditary Cancer Syndrome; Hereditary neoplastic syndrome; Tumor predisposition. Identifiers: Orphanet 140162, MedGen C0027672, MeSH D009386, MONDO:0015356.
Hereditary leiomyomatosis and renal cell cancer. Also called: Reed syndrome; Multiple cutaneous and uterine leiomyomatosis; Cutaneous leiomyomata with uterine leiomyomata; Leiomyoma, hereditary multiple, of skin; Multiple cutaneous and uterine leiomyomata; Multiple cutaneous leiomyomas. Identifiers: Orphanet 523, MedGen C1708350, MONDO:0007888, OMIM 150800, HP:0007437. Disease mechanism: loss of function.

gnomAD v4.1: 1 of 1,600,698 alleles (0.000062%); highest among the groups gnomAD compares: Non-Finnish European, 0.000085%; no homozygotes.

Submissions (4):

Labcorp Genetics (formerly Invitae), Labcorp
Classification: Likely benign. Last evaluated: 2025-09-20. Review status: criteria provided, single submitter. Criteria: Invitae Variant Classification Sherloc (09022015). Collection method: clinical testing. Allele origin: germline.

Myriad Genetics, Inc.
Classification: Benign for Hereditary leiomyomatosis and renal cell cancer. Last evaluated: 2024-10-21. Review status: criteria provided, single submitter. Criteria: Myriad Autosomal Dominant, Autosomal Recessive and X-Linked Classification Criteria (2023). Collection method: clinical testing. Allele origin: unknown.
Comment: This variant is considered benign. This variant is a silent/synonymous amino acid change and it is not expected to impact splicing.

Ambry Genetics
Classification: Likely benign for Hereditary cancer-predisposing syndrome. Last evaluated: 2022-11-18. Review status: criteria provided, single submitter. Criteria: Ambry Variant Classification Scheme 2023. Collection method: clinical testing. Allele origin: germline.

Sema4
Classification: Likely benign for Hereditary cancer-predisposing syndrome. Last evaluated: 2021-10-07. Review status: criteria provided, single submitter. Criteria: Sema4 Curation Guidelines. Collection method: curation. Allele origin: germline.